The following is an entry in ClinVar:

NM_000138.5(FBN1):c.2232G>C (p.Gly744=)

Gene: FBN1 (fibrillin 1; minus strand). Cytogenetic location: 15q21.1.
Variant type: single nucleotide variant.
Coding change: c.2232G>C on transcript NM_000138.5 (MANE Select); coding-DNA position 2232, G replaced by C.
Protein change: p.Gly744=; no amino-acid change (glycine 744 retained).
Molecular consequence: synonymous variant.
Genome position (GRCh38, 1-based): chr15:48,497,327, C>G on the plus strand (G>C on the coding strand, the complement: FBN1 is on the minus strand). VCF-style: chr15-48497327-C-G. GRCh37 (hg19) VCF-style: chr15-48789524-C-G.
Identifiers: ClinVar variation 392603 (VCV000392603.20), dbSNP rs762745991, ClinGen allele CA047229.

ClinVar aggregate classification (germline): Likely benign. Review status: criteria provided, multiple submitters, no conflicts (2 of 4 stars). 6 submissions from 6 submitters: Likely benign (6). Last evaluated 2026-08-01.

Conditions:
Familial thoracic aortic aneurysm and aortic dissection (TAAD). Also called: Thoracic aortic aneurysms and dissections. Identifiers: Orphanet 91387, MedGen C4707243, MONDO:0019625.
Marfan syndrome (MFS). Also called: Marfan syndrome, classic; FBN1-Related Marfan Syndrome; Marfan syndrome type 1; Marfan's syndrome; MARFAN SYNDROME, TYPE I. Identifiers: Orphanet 284963, Orphanet 558, MedGen C0024796, MONDO:0007947, OMIM 154700.

Allele frequency attached by ClinVar (database versions not stated): gnomAD exomes 0.00002; ExAC 0.00003; TOPMed 0.00005; gnomAD 0.00008 and 0.00009.
gnomAD v4.1: 35 of 1,613,656 alleles (0.0022%); highest among the groups gnomAD compares: Admixed American, 0.02%; no homozygotes.

Submissions (6):

CeGaT Center for Human Genetics Tuebingen
Classification: Likely benign. Last evaluated: 2026-08-01. Review status: criteria provided, single submitter. Criteria: CeGaT Center For Human Genetics Tuebingen Variant Classification Criteria Version 2. Collection method: clinical testing. Allele origin: germline. Affected: yes. Observed: 1 variant allele.
Comment: FBN1: BP4, BP7

Labcorp Genetics (formerly Invitae), Labcorp
Classification: Likely benign for Marfan syndrome; Familial thoracic aortic aneurysm and aortic dissection. Last evaluated: 2025-09-20. Review status: criteria provided, single submitter. Criteria: Invitae Variant Classification Sherloc (09022015). Collection method: clinical testing. Allele origin: germline.

All of Us Research Program, National Institutes of Health
Classification: Likely benign for Marfan syndrome. Last evaluated: 2024-02-05. Review status: criteria provided, single submitter. Criteria: ACMG Guidelines, 2015. Collection method: clinical testing. Allele origin: germline. Inheritance: Autosomal dominant inheritance. Observed: 4 variant alleles, 4 heterozygotes.
Comment: This study involves interpretation of variants in research participants for the purpose of population health screening. Participant phenotype was not available at the time of variant classification. Additional details can be found in publication PMID: 35346344, PMCID: PMC8962531

Ambry Genetics
Classification: Likely benign for Familial thoracic aortic aneurysm and aortic dissection. Last evaluated: 2022-08-29. Review status: criteria provided, single submitter. Criteria: Ambry Variant Classification Scheme 2023. Collection method: clinical testing. Allele origin: germline.

Color Diagnostics, LLC DBA Color Health
Classification: Likely benign for Familial thoracic aortic aneurysm and aortic dissection. Last evaluated: 2018-12-13. Review status: criteria provided, single submitter. Criteria: ACMG Guidelines, 2015. Collection method: clinical testing. Allele origin: germline.

GeneDx
Classification: Likely benign. Last evaluated: 2018-10-26. Review status: criteria provided, single submitter. Criteria: GeneDx Variant Classification Process June 2021. Collection method: clinical testing. Allele origin: germline. Affected: yes.